The following is an entry in ClinVar:

ClinVar aggregate classification (germline): Pathogenic/Likely pathogenic. Review status: criteria provided, multiple submitters, no conflicts (2 of 4 stars). 2 submissions from 2 submitters: Pathogenic (1); Likely pathogenic (1). Last evaluated 2025-10-10.

Conditions:
Bardet-Biedl syndrome 1 (BBS1). Identifiers: MedGen C2936862, MONDO:0008854, OMIM 209900. Disease mechanism: loss of function.
Bardet-Biedl syndrome (BBS). Identifiers: Orphanet 110, MedGen C0752166, MONDO:0015229.

gnomAD v4.1: 1 of 1,604,866 alleles (0.000062%); highest among the groups gnomAD compares: Non-Finnish European, 0.000085%; no homozygotes.

Submissions (2):

Natera, Inc.
Classification: Likely pathogenic for Bardet-Biedl syndrome type 1. Last evaluated: 2025-10-10. Review status: criteria provided, single submitter. Criteria: Natera Variant Classification Schema (03/2026). Collection method: clinical testing. Allele origin: germline.
Comment: The c.1450G>T variant in BBS1 is a nonsense variant predicted to introduce a stop codon at amino acid 484. This variant is expected to result in nonsense mediated decay, truncation, or a dysfunctional protein product. This variant is rare in the general population with a frequency below the threshold expected for the associated phenotype(s). Given the available evidence, this variant is classified as Likely Pathogenic.

Labcorp Genetics (formerly Invitae), Labcorp
Classification: Pathogenic for Bardet-Biedl syndrome. Last evaluated: 2023-05-22. Review status: criteria provided, single submitter. Criteria: Invitae Variant Classification Sherloc (09022015). Collection method: clinical testing. Allele origin: germline.
Comment: For these reasons, this variant has been classified as Pathogenic. This variant has not been reported in the literature in individuals affected with BBS1-related conditions. This variant is not present in population databases (gnomAD no frequency). This sequence change creates a premature translational stop signal (p.Glu484*) in the BBS1 gene. It is expected to result in an absent or disrupted protein product. Loss-of-function variants in BBS1 are known to be pathogenic (PMID: 12118255, 21520335, 27032803).

Literature cited by the submitters: PubMed 12118255 (cited by Labcorp Genetics (formerly Invitae), Labcorp); PubMed 21520335 (cited by Labcorp Genetics (formerly Invitae), Labcorp); PubMed 27032803 (cited by Labcorp Genetics (formerly Invitae), Labcorp).

NM_024649.5(BBS1):c.1450G>T (p.Glu484Ter)

Genes: ZDHHC24 (zDHHC palmitoyltransferase 24; minus strand), BBS1 (Bardet-Biedl syndrome 1; plus strand). Cytogenetic location: 11q13.2.
Variant type: single nucleotide variant.
Coding change: c.1450G>T on transcript NM_024649.5 (MANE Select); coding-DNA position 1450, G replaced by T.
Protein change: p.Glu484Ter; replaces glutamic acid 484 with a stop codon.
Molecular consequence: nonsense. On other transcripts: intron variant (1).
Genome position (GRCh38, 1-based): chr11:66,529,929, G>T. VCF-style: chr11-66529929-G-T. GRCh37 (hg19) VCF-style: chr11-66297400-G-T.
Other names: c.560-441C>A (NM_001348571.2); short protein forms E484*.
Identifiers: ClinVar variation 2867234 (VCV002867234.3), dbSNP rs1416464603, ClinGen allele CA381424082.